The following is an entry in ClinVar:

NM_002800.5(PSMB9):c.94G>A (p.Val32Ile)

Gene: PSMB9 (proteasome 20S subunit beta 9; plus strand). Cytogenetic location: 6p21.32.
Variant type: single nucleotide variant.
Coding change: c.94G>A on transcript NM_002800.5 (MANE Select); coding-DNA position 94, G replaced by A.
Protein change: p.Val32Ile; replaces valine 32 with isoleucine.
Molecular consequence: missense variant.
Genome position (GRCh38, 1-based): chr6:32,856,171, G>A. VCF-style: chr6-32856171-G-A. GRCh37 (hg19) VCF-style: chr6-32823948-G-A.
Other names: p.Val32Ile; short protein forms V32I.
Identifiers: ClinVar variation 3056957 (VCV003056957.4), dbSNP rs241419, ClinGen allele CA3747158.

ClinVar aggregate classification (germline): Benign/Likely benign. Review status: criteria provided, multiple submitters, no conflicts (2 of 4 stars). 3 submissions from 3 submitters: Benign (1); Likely benign (1). 1 of the submissions does not count toward it. Last evaluated 2026-01-21.

Conditions:
PSMB9-related disorder. Also called: PSMB9-related condition.

Allele frequency attached by ClinVar (database versions not stated): ExAC 0.01555; 1000 Genomes Project 0.02177; 1000 Genomes Project 30x 0.02202; gnomAD exomes 0.02438; gnomAD 0.02461; ESP Exome Variant Server 0.02844.

Submissions (3):

Women's Health and Genetics/Laboratory Corporation of America, LabCorp
Classification: Likely benign. Last evaluated: 2026-01-21. Review status: criteria provided, single submitter. Criteria: LabCorp Variant Classification Summary - May 2015. Collection method: clinical testing. Allele origin: germline.

Mayo Clinic Laboratories, Mayo Clinic
Classification: Benign. Last evaluated: 2023-11-06. Review status: criteria provided, single submitter. Criteria: ACMG Guidelines, 2015. Collection method: clinical testing. Allele origin: germline. Observed: 16 variant alleles.
Comment: BS1, BS2, BP4

PreventionGenetics, part of Exact Sciences
Classification: Benign for PSMB9-related condition. Last evaluated: 2019-07-12. Review status: no assertion criteria provided. Collection method: clinical testing. Allele origin: germline. Not counted in ClinVar's aggregate classification.
Comment: This variant is classified as benign based on ACMG/AMP sequence variant interpretation guidelines (Richards et al. 2015 PMID: 25741868, with internal and published modifications).

Literature cited by the submitters: PubMed 26122175 (cited by Mayo Clinic Laboratories, Mayo Clinic).